The following is an entry in ClinVar:

ClinVar aggregate classification (germline): Likely pathogenic. Review status: criteria provided, single submitter (1 of 4 stars). 2 submissions from 2 submitters: Likely pathogenic (1). 1 of the submissions does not count toward it. Last evaluated 2024-05-31.

Conditions:
Short stature. Identifiers: MedGen C0349588, HP:0004322.
SHOX-related disorder. Also called: SHOX-related condition.

Submissions (2):

Clinical Genetics Laboratory, Skane University Hospital Lund
Classification: Likely pathogenic for Short stature. Last evaluated: 2024-05-31. Review status: criteria provided, single submitter. Criteria: ACMG Guidelines, 2015. Collection method: clinical testing. Allele origin: germline. Affected: yes.
Comment: PS4, PM5, BS2

PreventionGenetics, part of Exact Sciences
Classification: Likely pathogenic for SHOX-related condition. Last evaluated: 2024-07-05. Review status: no assertion criteria provided. Collection method: clinical testing. Allele origin: germline. Not counted in ClinVar's aggregate classification.
Comment: The SHOX c.503G>A variant is predicted to result in the amino acid substitution p.Arg168Gln. This variant was reported in an individual with small for gestational age with isolated short stature, who inherited this variant from the affected mother, who is mosaic for this variant (Table 2, Freire et al. 2019. PubMed ID: 30602027; Joustra et al. 2020. PubMed ID: 32344414). This variant has not been reported in a large population database, indicating this variant is rare. This variant is interpreted as likely pathogenic.

NM_000451.4(SHOX):c.503G>A (p.Arg168Gln)

Gene: SHOX (SHOX homeobox; plus strand). Cytogenetic location: Xp22.33.
Variant type: single nucleotide variant.
Coding change: c.503G>A on transcript NM_000451.4 (MANE Select); coding-DNA position 503, G replaced by A.
Protein change: p.Arg168Gln; replaces arginine 168 with glutamine.
Molecular consequence: missense variant.
Genome position (GRCh38, 1-based): chrX:640,837, G>A. VCF-style: chrX-640837-G-A. GRCh37 (hg19) VCF-style: chrX-601572-G-A.
Other names: c.503G>A, p.Arg168Gln (NM_006883.2); short protein forms R168Q.
Identifiers: ClinVar variation 3344829 (VCV003344829.2).
Genomic context (GRCh38, chrX:640,837, plus strand): 5'-TGGGTTCACAGGGCTCTTCACATCTCTCTCTGCTTCTCCCCAAGGTTTGGTTCCAGAACC[G>A]GAGAGCCAAGTGCCGCAAACAAGAGAATCAGATGCATAAAGGTGGGTGTCGGGACTGGGG-3'
Protein context (NP_000442.1, residues 158-178): EARVQVWFQN[Arg168Gln]RAKCRKQENQ